The following is an entry in ClinVar:

ClinVar aggregate classification (germline): Uncertain significance (1 of 4 stars; one submission).

Conditions:
KBG syndrome (KBGS). Also called: ANKRD11-Related KBG Syndrome. Identifiers: Orphanet 2332, MedGen C0220687, MONDO:0007846, OMIM 148050.

Allele frequency attached by ClinVar (database versions not stated): TOPMed below 0.00001.
gnomAD v4.1: 3 of 1,613,680 alleles (0.00019%); highest among the groups gnomAD compares: Admixed American, 0.005%; no homozygotes.

Submission:

Labcorp Genetics (formerly Invitae), Labcorp
Classification: Uncertain significance for KBG syndrome. Last evaluated: 2024-05-14. Review status: criteria provided, single submitter. Criteria: Invitae Variant Classification Sherloc (09022015). Collection method: clinical testing. Allele origin: germline.
Comment: This sequence change replaces glutamic acid, which is acidic and polar, with aspartic acid, which is acidic and polar, at codon 480 of the ANKRD11 protein (p.Glu480Asp). This variant is present in population databases (no rsID available, gnomAD 0.003%). This variant has not been reported in the literature in individuals affected with ANKRD11-related conditions. Advanced modeling of protein sequence and biophysical properties (such as structural, functional, and spatial information, amino acid conservation, physicochemical variation, residue mobility, and thermodynamic stability) performed at Invitae indicates that this missense variant is not expected to disrupt ANKRD11 protein function with a negative predictive value of 95%. In summary, the available evidence is currently insufficient to determine the role of this variant in disease. Therefore, it has been classified as a Variant of Uncertain Significance.

NM_013275.6(ANKRD11):c.1440G>C (p.Glu480Asp)

Gene: ANKRD11 (ankyrin repeat domain 11; minus strand). Cytogenetic location: 16q24.3.
Variant type: single nucleotide variant.
Coding change: c.1440G>C on transcript NM_013275.6 (MANE Select); coding-DNA position 1440, G replaced by C.
Protein change: p.Glu480Asp; replaces glutamic acid 480 with aspartic acid.
Molecular consequence: missense variant.
Genome position (GRCh38, 1-based): chr16:89,285,102, C>G on the plus strand (G>C on the coding strand, the complement: ANKRD11 is on the minus strand). VCF-style: chr16-89285102-C-G. GRCh37 (hg19) VCF-style: chr16-89351510-C-G.
Other names: c.1440G>C, p.Glu480Asp (NM_001256182.2, NM_001256183.2); short protein forms E480D.
Identifiers: ClinVar variation 2849450 (VCV002849450.3), dbSNP rs760682389, ClinGen allele CA397164954.